The following is an entry in ClinVar:

ClinVar aggregate classification (germline): Uncertain significance (1 of 4 stars; one submission).

Conditions:
Beta-D-mannosidosis (MANSB). Also called: Beta-Mannosidosis; MANNOSIDOSIS, BETA A, LYSOSOMAL; BETA-MANNOSIDASE DEFICIENCY; LYSOSOMAL BETA-MANNOSIDASE DEFICIENCY. Identifiers: Orphanet 118, MedGen C4048196, MONDO:0009562, OMIM 248510.

Submission:

Labcorp Genetics (formerly Invitae), Labcorp
Classification: Uncertain significance for Beta-D-mannosidosis. Last evaluated: 2024-10-25. Review status: criteria provided, single submitter. Criteria: Invitae Variant Classification Sherloc (09022015). Collection method: clinical testing. Allele origin: germline.
Comment: This variant, c.194_214del, results in the deletion of 7 amino acid(s) of the MANBA protein (p.Phe65_Arg71del), but otherwise preserves the integrity of the reading frame. This variant is present in population databases (no rsID available, gnomAD 0.0009%). This variant has not been reported in the literature in individuals affected with MANBA-related conditions. ClinVar contains an entry for this variant (Variation ID: 1507564). Experimental studies and prediction algorithms are not available or were not evaluated, and the functional significance of this variant is currently unknown. In summary, the available evidence is currently insufficient to determine the role of this variant in disease. Therefore, it has been classified as a Variant of Uncertain Significance.

NM_005908.4(MANBA):c.194_214del (p.Phe65_Arg71del)

Gene: MANBA (mannosidase beta; minus strand). Cytogenetic location: 4q24.
Variant type: Deletion.
Coding change: c.194_214del on transcript NM_005908.4 (MANE Select); coding-DNA positions 194 to 214, 21 bases deleted (TTAATGACCTTAACTACAGAT).
Protein change: p.Phe65_Arg71del.
Molecular consequence: inframe deletion.
Genome position (GRCh38, 1-based): chr4:102,726,647-102,726,667, ATCTGTAGTTAAGGTCATTAA deleted on the plus strand (TTAATGACCTTAACTACAGAT on the coding strand, the reverse complement: MANBA is on the minus strand); deleting any 21 consecutive bases within chr4:102,726,647-102,726,676 gives the same sequence; the c. name uses the placement nearest the transcript's 3' end. VCF-style (leftmost placement, unchanged base first): chr4-102726646-CATCTGTAGTTAAGGTCATTAA-C. GRCh37 (hg19) VCF-style: chr4-103647803-CATCTGTAGTTAAGGTCATTAA-C.
Identifiers: ClinVar variation 1507564 (VCV001507564.7), dbSNP rs1300919851, ClinGen allele CA553746200.
Genomic context (GRCh38, chr4:102,726,646, plus strand): 5'-TACCTAATTTCAAAGGGGATTTTAAATTCTTTGCTATAGGTCCAGTTATCCAAAGAGACC[CATCTGTAGTTAAGGTCATTAA>C]ATCTGTAGTAAGAATCCTGTTGATACAAGGTAAAAATTATGGTAGATGGTTAAATATGCA-3'